The following is an entry in ClinVar:

ClinVar aggregate classification (germline): Likely benign. Review status: criteria provided, single submitter (1 of 4 stars). 2 submissions from 2 submitters: Likely benign (1). 1 of the submissions does not count toward it. Last evaluated 2025-06-14.

Conditions:
IFT122-related disorder. Also called: IFT122-related condition.
Cranioectodermal dysplasia 1 (CED1). Also called: LEVIN SYNDROME I. Identifiers: Orphanet 1515, MedGen C0432235, MONDO:0021093, OMIM 218330.

Allele frequency attached by ClinVar (database versions not stated): ExAC 0.00002; gnomAD 0.00007; TOPMed 0.00010; 1000 Genomes Project 0.00020; 1000 Genomes Project 30x 0.00031.
gnomAD v4.1: 25 of 1,614,182 alleles (0.0015%); highest among the groups gnomAD compares: Admixed American, 0.015%; no homozygotes.

Submissions (2):

Labcorp Genetics (formerly Invitae), Labcorp
Classification: Likely benign for Cranioectodermal dysplasia 1. Last evaluated: 2025-06-14. Review status: criteria provided, single submitter. Criteria: Invitae Variant Classification Sherloc (09022015). Collection method: clinical testing. Allele origin: germline.

PreventionGenetics, part of Exact Sciences
Classification: Likely benign for IFT122-related condition. Last evaluated: 2020-10-12. Review status: no assertion criteria provided. Collection method: clinical testing. Allele origin: germline. Not counted in ClinVar's aggregate classification.
Comment: This variant is classified as likely benign based on ACMG/AMP sequence variant interpretation guidelines (Richards et al. 2015 PMID: 25741868, with internal and published modifications).

NM_052989.3(IFT122):c.2301C>T (p.Ala767=)

Gene: IFT122 (intraflagellar transport 122; plus strand). Cytogenetic location: 3q21.3.
Variant type: single nucleotide variant.
Coding change: c.2301C>T on transcript NM_052989.3 (MANE Select); coding-DNA position 2301, C replaced by T.
Protein change: p.Ala767=; no amino-acid change (alanine 767 retained).
Molecular consequence: synonymous variant.
Genome position (GRCh38, 1-based): chr3:129,499,994, C>T. VCF-style: chr3-129499994-C-T. GRCh37 (hg19) VCF-style: chr3-129218837-C-T.
Other names: c.2247C>T, p.Ala749= (NM_001410809.1); c.2124C>T, p.Ala708= (NM_001410810.1, NM_018262.4); c.2070C>T, p.Ala690= (NM_001410811.1, NM_001410813.1); c.1968C>T, p.Ala656= (NM_001410815.1, NM_052990.3); c.1914C>T, p.Ala638= (NM_001410817.1); c.2454C>T, p.Ala818= (NM_052985.4); c.2454C>T (NM_052985.3); c.2277C>T, p.Ala759= (NM_001280541.2); and 3 more.
Identifiers: ClinVar variation 2726827 (VCV002726827.5), dbSNP rs540474261, ClinGen allele CA2606465.